The following is an entry in ClinVar:

ClinVar aggregate classification (germline): Benign. Review status: criteria provided, multiple submitters, no conflicts (2 of 4 stars). 3 submissions from 3 submitters: Benign (3). Last evaluated 2024-01-24.

Conditions:
Polymicrogyria, perisylvian, with cerebellar hypoplasia and arthrogryposis (NEDSPLB). Identifiers: MedGen C4225295, MONDO:0014679, OMIM 616531.

Allele frequency attached by ClinVar (database versions not stated): gnomAD exomes 0.40064 and 0.41848; ExAC 0.42338; gnomAD 0.45606 and 0.45949; ESP Exome Variant Server 0.46221; TOPMed 0.48180; 1000 Genomes Project 0.49141; 1000 Genomes Project 30x 0.49875.

Submissions (3):

Unidad de Genómica Garrahan, Hospital de Pediatría Garrahan
Classification: Benign. Last evaluated: 2024-01-24. Review status: criteria provided, single submitter. Criteria: ACMG Guidelines, 2015. Collection method: clinical testing. Allele origin: germline. Affected: no. Observed: 65 variant alleles.
Comment: This variant is classified as Benign based on local population frequency. This variant was detected in 68% of patients studied by a panel of primary immunodeficiencies. Number of patients: 65. Only high quality variants are reported.

Genome-Nilou Lab
Classification: Benign for Polymicrogyria, perisylvian, with cerebellar hypoplasia and arthrogryposis. Last evaluated: 2021-09-05. Review status: criteria provided, single submitter. Criteria: ACMG Guidelines, 2015. Collection method: clinical testing. Allele origin: germline. Affected: no.

GeneDx
Classification: Benign. Last evaluated: 2018-07-09. Review status: criteria provided, single submitter. Criteria: GeneDx Variant Classification Process June 2021. Collection method: clinical testing. Allele origin: germline. Affected: yes.

NM_058004.4(PI4KA):c.1005+38_1005+40dup

Gene: PI4KA (phosphatidylinositol 4-kinase alpha; minus strand). Cytogenetic location: 22q11.21.
Variant type: Duplication.
Coding change: c.1005+38_1005+40dup on transcript NM_058004.4 (MANE Select); bases 38 to 40 of the intron after coding-DNA position 1005, 3 bases duplicated (TGT; older notation c.1005+38_1005+40dupTGT).
Molecular consequence: intron variant.
Genome position (GRCh38, 1-based): chr22:20,813,318-20,813,320, ACA duplicated on the plus strand (TGT on the coding strand, the reverse complement: PI4KA is on the minus strand). VCF-style (leftmost placement, unchanged base first): chr22-20813317-G-GACA. GRCh37 (hg19) VCF-style: chr22-21167605-G-GACA.
Other names: c.1005+38_1005+40dup (NM_001362863.2, NM_001362862.2).
Identifiers: ClinVar variation 1224893 (VCV001224893.7), dbSNP rs362114, ClinGen allele CA10116617.
Genomic context (GRCh38, chr22:20,813,317, plus strand): 5'-AATACTGGTACTCTGAGTTTTTCTTTTAAAAATACAAGTTTCACCACTAGCAATTTTACT[G>GACA]ACATATCCATGGTCTGTTCATCCATCAGTTCTTTGCTTACCAGGTTTAAGAGTTCCCGAA-3'